The following is an entry in ClinVar:

NM_000787.4(DBH):c.1537C>T (p.Gln513Ter)

Genes: DBH (dopamine beta-hydroxylase; plus strand), DBH-AS1 (DBH antisense RNA 1; minus strand). Cytogenetic location: 9q34.2.
Variant type: single nucleotide variant.
Coding change: c.1537C>T on transcript NM_000787.4 (MANE Select); coding-DNA position 1537, C replaced by T.
Protein change: p.Gln513Ter; replaces glutamine 513 with a stop codon.
Molecular consequence: nonsense.
Genome position (GRCh38, 1-based): chr9:133,656,625, C>T. VCF-style: chr9-133656625-C-T. GRCh37 (hg19) VCF-style: chr9-136521747-C-T.
Other names: short protein forms Q513*.
Identifiers: ClinVar variation 4885090 (VCV004885090.2).

ClinVar aggregate classification (germline): Likely pathogenic (1 of 4 stars; one submission).

Submission:

Dasa
Classification: Likely pathogenic. Last evaluated: 2025-12-01. Review status: criteria provided, single submitter. Criteria: DASA Assertion Criteria. Collection method: clinical testing. Allele origin: germline.
Comment: NM_000787.4(DBH):c.1537C>T (p.Gln513*) is a nonsense variant in DBH predicted to introduce a premature termination codon and is predicted to result in an absent or altered protein product. Loss of function is an established disease mechanism for DBH-associated disorders. Also, this variant is absent from population databases. Based on the currently available evidence, this variant is classified as likely pathogenic.